The following is an entry in ClinVar:

ClinVar aggregate classification (germline): Uncertain significance (1 of 4 stars; one submission).

Submission:

Ambry Genetics
Classification: Uncertain significance. Last evaluated: 2023-11-21. Review status: criteria provided, single submitter. Criteria: Ambry Variant Classification Scheme 2023. Collection method: clinical testing. Allele origin: germline.
Comment: The p.S854P variant (also known as c.2560T>C), located in coding exon 21 of the BUB1 gene, results from a T to C substitution at nucleotide position 2560. The serine at codon 854 is replaced by proline, an amino acid with similar properties. This amino acid position is conserved. In addition, the in silico prediction for this alteration is inconclusive. Since supporting evidence is limited at this time, the clinical significance of this alteration remains unclear.

NM_004336.5(BUB1):c.2560T>C (p.Ser854Pro)

Gene: BUB1 (BUB1 mitotic checkpoint serine/threonine kinase; minus strand). Cytogenetic location: 2q13.
Variant type: single nucleotide variant.
Coding change: c.2560T>C on transcript NM_004336.5 (MANE Select); coding-DNA position 2560, T replaced by C.
Protein change: p.Ser854Pro; replaces serine 854 with proline.
Molecular consequence: missense variant.
Genome position (GRCh38, 1-based): chr2:110,641,707, A>G on the plus strand (T>C on the coding strand, the complement: BUB1 is on the minus strand). VCF-style: chr2-110641707-A-G. GRCh37 (hg19) VCF-style: chr2-111399284-A-G.
Other names: c.2500T>C, p.Ser834Pro (NM_001278616.2); c.2560T>C, p.Ser854Pro (NM_001278617.2); short protein forms S834P, S854P.
Identifiers: ClinVar variation 3224053 (VCV003224053.1), dbSNP rs2467972106, ClinGen allele CA348090315.
Genomic context (GRCh38, chr2:110,641,707, plus strand): 5'-ATGTTCCATAGCTGTAGAGCTCTCCTACTAATACACTGCCATTCTGGAATAAGTGGGCAG[A>G]ATAGAACTTCATAAACATGTGCTGCATAGATGGCTTTAGTCTTTCCATCAACTGGGTCCC-3'
Protein context (NP_004327.1, residues 844-864): SMQHMFMKFY[Ser854Pro]AHLFQNGSVL